The following is an entry in ClinVar:

NM_004380.3(CREBBP):c.2859C>T (p.His953=)

Gene: CREBBP (CREB binding lysine acetyltransferase; minus strand). Cytogenetic location: 16p13.3.
Variant type: single nucleotide variant.
Coding change: c.2859C>T on transcript NM_004380.3 (MANE Select); coding-DNA position 2859, C replaced by T.
Protein change: p.His953=; no amino-acid change (histidine 953 retained).
Molecular consequence: synonymous variant.
Genome position (GRCh38, 1-based): chr16:3,770,591, G>A on the plus strand (C>T on the coding strand, the complement: CREBBP is on the minus strand). VCF-style: chr16-3770591-G-A. GRCh37 (hg19) VCF-style: chr16-3820592-G-A.
Other names: c.2745C>T, p.His915= (NM_001079846.1).
Identifiers: ClinVar variation 3058414 (VCV003058414.3), dbSNP rs750906981, ClinGen allele CA7870020.

ClinVar aggregate classification (germline): Likely benign. Review status: criteria provided, single submitter (1 of 4 stars). 2 submissions from 2 submitters: Likely benign (1). 1 of the submissions does not count toward it. Last evaluated 2024-07-17.

Conditions:
CREBBP-related disorder. Also called: CREBBP-related disorders; CREBBP-related condition.

Allele frequency attached by ClinVar (database versions not stated): gnomAD 0.00001; TOPMed 0.00001; gnomAD exomes 0.00002; ExAC 0.00004.
gnomAD v4.1: 24 of 1,613,360 alleles (0.0015%); highest among the groups gnomAD compares: South Asian, 0.0033%; no homozygotes.

Submissions (2):

Blueprint Genetics
Classification: Likely benign. Last evaluated: 2024-07-17. Review status: criteria provided, single submitter. Criteria: ACMG Guidelines, 2015. Collection method: clinical testing. Allele origin: germline.

PreventionGenetics, part of Exact Sciences
Classification: Likely benign for CREBBP-related condition. Last evaluated: 2022-09-28. Review status: no assertion criteria provided. Collection method: clinical testing. Allele origin: germline. Not counted in ClinVar's aggregate classification.
Comment: This variant is classified as likely benign based on ACMG/AMP sequence variant interpretation guidelines (Richards et al. 2015 PMID: 25741868, with internal and published modifications).